The following is an entry in ClinVar:

NM_021922.3(FANCE):c.985G>A (p.Ala329Thr)

Gene: FANCE (FA complementation group E; plus strand). Cytogenetic location: 6p21.31.
Variant type: single nucleotide variant.
Coding change: c.985G>A on transcript NM_021922.3 (MANE Select); coding-DNA position 985, G replaced by A.
Protein change: p.Ala329Thr; replaces alanine 329 with threonine.
Molecular consequence: missense variant.
Genome position (GRCh38, 1-based): chr6:35,458,312, G>A. VCF-style: chr6-35458312-G-A. GRCh37 (hg19) VCF-style: chr6-35426089-G-A.
Other names: c.985G>A, p.Ala329Thr (NM_001410876.1); short protein forms A329T.
Identifiers: ClinVar variation 1978284 (VCV001978284.4), dbSNP rs1411748309, ClinGen allele CA363775059.

ClinVar aggregate classification (germline): Conflicting classifications of pathogenicity. Review status: criteria provided, conflicting classifications (1 of 4 stars). 3 submissions from 3 submitters: Uncertain significance (2); Likely benign (1). Last evaluated 2025-06-24.

Conditions:
Inborn genetic diseases. Identifiers: MedGen C0950123, MeSH D030342.
Fanconi anemia complementation group E (FANCE). Also called: FANCE-Related Fanconi Anemia. Identifiers: Orphanet 84, MedGen C3160739, MONDO:0010953, OMIM 600901.

Allele frequency attached by ClinVar (database versions not stated): gnomAD exomes below 0.00001; TOPMed below 0.00001; gnomAD 0.00002.

Submissions (3):

Ambry Genetics
Classification: Likely benign for Inborn genetic diseases. Last evaluated: 2025-06-24. Review status: criteria provided, single submitter. Criteria: Ambry Variant Classification Scheme 2023. Collection method: clinical testing. Allele origin: germline.

Fulgent Genetics
Classification: Uncertain significance for Fanconi anemia complementation group E. Last evaluated: 2024-01-02. Review status: criteria provided, single submitter. Criteria: ACMG Guidelines, 2015. Collection method: clinical testing. Allele origin: germline.

Labcorp Genetics (formerly Invitae), Labcorp
Classification: Uncertain significance for Fanconi anemia complementation group E. Last evaluated: 2023-05-15. Review status: criteria provided, single submitter. Criteria: Invitae Variant Classification Sherloc (09022015). Collection method: clinical testing. Allele origin: germline.
Comment: This variant is present in population databases (no rsID available, gnomAD 0.003%). This sequence change replaces alanine, which is neutral and non-polar, with threonine, which is neutral and polar, at codon 329 of the FANCE protein (p.Ala329Thr). This variant has not been reported in the literature in individuals affected with FANCE-related conditions. In summary, the available evidence is currently insufficient to determine the role of this variant in disease. Therefore, it has been classified as a Variant of Uncertain Significance. Advanced modeling of protein sequence and biophysical properties (such as structural, functional, and spatial information, amino acid conservation, physicochemical variation, residue mobility, and thermodynamic stability) performed at Invitae indicates that this missense variant is not expected to disrupt FANCE protein function. ClinVar contains an entry for this variant (Variation ID: 1978284).